The following is an entry in ClinVar:

NM_005359.6(SMAD4):c.1217C>T (p.Ala406Val)

Gene: SMAD4 (SMAD family member 4; plus strand). Cytogenetic location: 18q21.2.
Variant type: single nucleotide variant.
Coding change: c.1217C>T on transcript NM_005359.6 (MANE Select); coding-DNA position 1217, C replaced by T.
Protein change: p.Ala406Val; replaces alanine 406 with valine.
Molecular consequence: missense variant.
Genome position (GRCh38, 1-based): chr18:51,067,096, C>T. VCF-style: chr18-51067096-C-T. GRCh37 (hg19) VCF-style: chr18-48593466-C-T.
Other names: short protein forms A406V.
Identifiers: ClinVar variation 422930 (VCV000422930.20), dbSNP rs1064796102, ClinGen allele CA16620709.
Genomic context (GRCh38, chr18:51,067,096, plus strand): 5'-GTGTGCAGTTGGAATGTAAAGGTGAAGGTGATGTTTGGGTCAGGTGCCTTAGTGACCACG[C>T]GGTCTTTGTACAGAGTTACTACTTAGACAGAGAAGCTGGGCGTGCACCTGGAGATGCTGT-3'
Protein context (NP_005350.1, residues 396-416): DVWVRCLSDH[Ala406Val]VFVQSYYLDR

ClinVar aggregate classification (germline): Uncertain significance. Review status: criteria provided, multiple submitters, no conflicts (2 of 4 stars). 6 submissions from 6 submitters: Uncertain significance (6). Last evaluated 2025-10-14.

Conditions:
Juvenile polyposis syndrome (JPS). Identifiers: Orphanet 2929, MedGen C0345893, MONDO:0017380, OMIM 174900.
Hereditary cancer-predisposing syndrome. Also called: Neoplastic Syndromes, Hereditary; Hereditary Cancer Syndrome; Hereditary neoplastic syndrome; Tumor predisposition. Identifiers: Orphanet 140162, MedGen C0027672, MeSH D009386, MONDO:0015356.
Familial thoracic aortic aneurysm and aortic dissection (TAAD). Also called: Thoracic aortic aneurysms and dissections. Identifiers: Orphanet 91387, MedGen C4707243, MONDO:0019625.
Juvenile polyposis/hereditary hemorrhagic telangiectasia syndrome (JPHT). Also called: POLYPOSIS, GENERALIZED JUVENILE, WITH PULMONARY ARTERIOVENOUS MALFORMATION; TELANGIECTASIA, HEREDITARY HEMORRHAGIC, WITH JUVENILE POLYPOSIS COLI; Juvenile Polyposis Syndrome / Hereditary Hemorrhagic Telangiectasia (JPS/HHT); JP/HHT SYNDROME; JUVENILE POLYPOSIS WITH HEREDITARY HEMORRHAGIC TELANGIECTASIA. Identifiers: Orphanet 2929, MedGen C1832942, MONDO:0008278, OMIM 175050.

Allele frequency attached by ClinVar (database versions not stated): gnomAD exomes below 0.00001.
gnomAD v4.1: 1 of 1,611,424 alleles (0.000062%); highest among the groups gnomAD compares: Non-Finnish European, 0.000085%; no homozygotes.

Submissions (6):

Labcorp Genetics (formerly Invitae), Labcorp
Classification: Uncertain significance for Juvenile polyposis syndrome. Last evaluated: 2025-10-14. Review status: criteria provided, single submitter. Criteria: Invitae Variant Classification Sherloc (09022015). Collection method: clinical testing. Allele origin: germline.
Comment: This sequence change replaces alanine, which is neutral and non-polar, with valine, which is neutral and non-polar, at codon 406 of the SMAD4 protein (p.Ala406Val). This variant is not present in population databases (gnomAD no frequency). This variant has not been reported in the literature in individuals affected with SMAD4-related conditions. ClinVar contains an entry for this variant (Variation ID: 422930). Invitae Evidence Modeling of protein sequence and biophysical properties (such as structural, functional, and spatial information, amino acid conservation, physicochemical variation, residue mobility, and thermodynamic stability) has been performed for this missense variant. However, the output from this modeling did not meet the statistical confidence thresholds required to predict the impact of this variant on SMAD4 protein function. In summary, the available evidence is currently insufficient to determine the role of this variant in disease. Therefore, it has been classified as a Variant of Uncertain Significance.

Clinical Genomics Laboratory, Washington University in St. Louis
Classification: Uncertain significance for Juvenile polyposis/hereditary hemorrhagic telangiectasia syndrome. Last evaluated: 2025-08-05. Review status: criteria provided, single submitter. Criteria: ACMG Guidelines, 2015. Collection method: clinical testing. Allele origin: germline.
Comment: A SMAD4 c.1217C>T(p.Ala406Val) variant was identified at a near heterozygous allelic fraction of 48.4%, a frequency which may be consistent with it being of germline origin. This variant has only been reported in individuals affected with cancer (DeRycke MS et al., PMID: 28944238; Gleeson FC et al., PMID: 27203738) and, to our knowledge, it has not been reported in hereditary hemorrhagic telangiectasia syndrome. The SMAD4 c.1217C>T(p.Ala406Val) variant has been reported in the ClinVar database as a germline variant of uncertain significance by five submitters (ClinVar ID: 422930). This variant is only observed in 1/1,611,424 alleles in the general population (gnomAD v4.1.0), indicating it is not a common variant. Computational predictors indicate that the variant is damaging, evidence that correlates with impact to SMAD4 function. The SMAD4 gene has a low rate of benign missense variation and where pathogenic missense variants are a common mechanism of disease. Due to limited information, and based on ACMG/AMP guidelines for variant interpretation (Richards S et al., PMID: 25741868), the clinical significance of this variant is uncertain at this time.

Ambry Genetics
Classification: Uncertain significance for Hereditary cancer-predisposing syndrome; Familial thoracic aortic aneurysm and aortic dissection. Last evaluated: 2024-09-03. Review status: criteria provided, single submitter. Criteria: Ambry Variant Classification Scheme 2023. Collection method: clinical testing. Allele origin: germline.
Comment: The p.A406V variant (also known as c.1217C>T), located in coding exon 9 of the SMAD4 gene, results from a C to T substitution at nucleotide position 1217. The alanine at codon 406 is replaced by valine, an amino acid with similar properties. In one study, this alteration was detected in 1/1231 colorectal cancer patients and 0/93 controls (DeRycke MS et al. Mol Genet Genomic Med, 2017 Sep;5:553-569). This amino acid position is highly conserved in available vertebrate species. In addition, this alteration is predicted to be deleterious by in silico analysis. Since supporting evidence is limited at this time, the clinical significance of this alteration remains unclear.

Baylor Genetics
Classification: Uncertain significance for Juvenile polyposis/hereditary hemorrhagic telangiectasia syndrome. Last evaluated: 2023-12-12. Review status: criteria provided, single submitter. Criteria: ACMG Guidelines, 2015. Collection method: clinical testing. Allele origin: unknown.

All of Us Research Program, National Institutes of Health
Classification: Uncertain significance for Juvenile polyposis/hereditary hemorrhagic telangiectasia syndrome. Last evaluated: 2023-11-30. Review status: criteria provided, single submitter. Criteria: ACMG Guidelines, 2015. Collection method: clinical testing. Allele origin: germline. Inheritance: Autosomal dominant inheritance. Observed: 1 variant allele, 1 heterozygote.
Comment: This study involves interpretation of variants in research participants for the purpose of population health screening. Participant phenotype was not available at the time of variant classification. Additional details can be found in publication PMID: 35346344, PMCID: PMC8962531

GeneDx
Classification: Uncertain significance. Last evaluated: 2016-12-19. Review status: criteria provided, single submitter. Criteria: GeneDx Variant Classification (06012015). Collection method: clinical testing. Allele origin: germline. Affected: yes.
Comment: This variant is denoted SMAD4 c.1217C>T at the cDNA level, p.Ala406Val (A406V) at the protein level, and results in the change of an Alanine to a Valine (GCG>GTG). SMAD4 Ala406Val has not, to our knowledge, been published in the literature as a germline variant; however, it has been reported as a somatic variant in at least one sample (biliary tract cancer) according to the Catalogue of Somatic Mutations in Cancer (COSMIC) database. SMAD4 Ala406Val was not observed in approximately 6,500 individuals of European and African American ancestry in the NHLBI Exome Sequencing Project, suggesting it is not a common benign variant in these populations. Since Alanine and Valine share similar properties, this is considered a conservative amino acid substitution. SMAD4 Ala406Val occurs at a position that is conserved across species and is located in the MH2 domain (UniProt). In silico analyses predict that this variant is probably damaging to protein structure and function. Based on currently available evidence, it is unclear whether SMAD4 Ala406Val is a pathogenic or benign variant. We consider it to be a variant of uncertain significance.

Literature cited by the submitters: PubMed 28944238 (cited by Ambry Genetics).